The following is an entry in ClinVar:

ClinVar aggregate classification (germline): Uncertain significance (1 of 4 stars; one submission).

Conditions:
Familial thoracic aortic aneurysm and aortic dissection (TAAD). Also called: Thoracic aortic aneurysms and dissections. Identifiers: Orphanet 91387, MedGen C4707243, MONDO:0019625.

Submission:

Ambry Genetics
Classification: Uncertain significance for Familial thoracic aortic aneurysm and aortic dissection. Last evaluated: 2026-03-23. Review status: criteria provided, single submitter. Criteria: Ambry Variant Classification Scheme 2023. Collection method: clinical testing. Allele origin: germline.
Comment: The p.N1778T variant (also known as c.5333A>C), located in coding exon 65 of the COL5A1 gene, results from an A to C substitution at nucleotide position 5333. The asparagine at codon 1778 is replaced by threonine, an amino acid with similar properties. This amino acid position is conserved. In addition, this alteration is predicted to be tolerated by in silico analysis. Based on the available evidence, the clinical significance of this variant remains unclear.

NM_000093.5(COL5A1):c.5333A>C (p.Asn1778Thr)

Genes: COL5A1 (collagen type V alpha 1 chain; plus strand), LOC101448202 (uncharacterized LOC101448202; minus strand). Cytogenetic location: 9q34.3.
Variant type: single nucleotide variant.
Coding change: c.5333A>C on transcript NM_000093.5 (MANE Select); coding-DNA position 5333, A replaced by C.
Protein change: p.Asn1778Thr; replaces asparagine 1778 with threonine.
Molecular consequence: missense variant.
Genome position (GRCh38, 1-based): chr9:134,835,167, A>C. VCF-style: chr9-134835167-A-C. GRCh37 (hg19) VCF-style: chr9-137727013-A-C.
Other names: c.5333A>C, p.Asn1778Thr (NM_001278074.1); short protein forms N1778T.
Identifiers: ClinVar variation 4869234 (VCV004869234.1).